The following is an entry in ClinVar:

ClinVar aggregate classification (germline): Uncertain significance (1 of 4 stars; one submission).

Submission:

Dasa
Classification: Uncertain significance. Last evaluated: 2026-02-21. Review status: criteria provided, single submitter. Criteria: DASA Assertion Criteria. Collection method: clinical testing. Allele origin: germline.
Comment: NM_001384.5(DPH2):c.840T>A (p.Asp280Glu) is a missense variant that results in the substitution of aspartic acid with glutamic acid. The variant is present at low frequency in population datasets. Based on the available data, this variant is classified as variant of uncertain significance.

NM_001384.5(DPH2):c.840T>A (p.Asp280Glu)

Genes: DPH2 (diphthamide biosynthesis 2; plus strand), LOC126805726 (CDK7 strongly-dependent group 2 enhancer GRCh37_chr1:44437355-44438554; plus strand). Cytogenetic location: 1p34.1.
Variant type: single nucleotide variant.
Coding change: c.840T>A on transcript NM_001384.5 (MANE Select); coding-DNA position 840, T replaced by A.
Protein change: p.Asp280Glu; replaces aspartic acid 280 with glutamic acid.
Molecular consequence: missense variant. On other transcripts: intron variant (1).
Genome position (GRCh38, 1-based): chr1:43,971,742, T>A. VCF-style: chr1-43971742-T-A. GRCh37 (hg19) VCF-style: chr1-44437414-T-A.
Other names: c.612T>A, p.Asp204Glu (NM_001319165.2, NM_001319168.2); c.567T>A, p.Asp189Glu (NM_001319166.2); c.261T>A, p.Asp87Glu (NM_001319167.2, NM_001319170.2); c.435T>A, p.Asp145Glu (NM_001319169.2); c.396T>A, p.Asp132Glu (NM_001319171.2); c.485-416T>A (NM_001039589.2); short protein forms D132E, D145E, D189E, D204E, D280E, D87E.
Identifiers: ClinVar variation 4851812 (VCV004851812.1).